The following is an entry in ClinVar:

NM_024334.3(TMEM43):c.861C>G (p.His287Gln)

Gene: TMEM43 (transmembrane protein 43; plus strand). Cytogenetic location: 3p25.1.
Variant type: single nucleotide variant.
Coding change: c.861C>G on transcript NM_024334.3 (MANE Select); coding-DNA position 861, C replaced by G.
Protein change: p.His287Gln; replaces histidine 287 with glutamine.
Molecular consequence: missense variant.
Genome position (GRCh38, 1-based): chr3:14,135,887, C>G. VCF-style: chr3-14135887-C-G. GRCh37 (hg19) VCF-style: chr3-14177387-C-G.
Other names: short protein forms H287Q.
Identifiers: ClinVar variation 264109 (VCV000264109.10), dbSNP rs886039048, ClinGen allele CA10587563.

ClinVar aggregate classification (germline): Uncertain significance. Review status: criteria provided, multiple submitters, no conflicts (2 of 4 stars). 3 submissions from 3 submitters: Uncertain significance (3). Last evaluated 2024-02-22.

Conditions:
Cardiovascular phenotype. Identifiers: MedGen CN230736.
Arrhythmogenic right ventricular dysplasia 5. Also called: Arrhythmogenic Right Ventricular Dysplasia/Cardiomyopathy 5; ARRHYTHMOGENIC RIGHT VENTRICULAR DYSPLASIA, FAMILIAL, 5. Identifiers: MedGen C1858379, MONDO:0011459, OMIM 604400.

Allele frequency attached by ClinVar (database versions not stated): TOPMed 0.00001.

Submissions (3):

All of Us Research Program, National Institutes of Health
Classification: Uncertain significance for Arrhythmogenic right ventricular dysplasia 5. Last evaluated: 2024-02-22. Review status: criteria provided, single submitter. Criteria: ACMG Guidelines, 2015. Collection method: clinical testing. Allele origin: germline. Inheritance: Autosomal dominant inheritance. Observed: 1 variant allele, 1 heterozygote.
Comment: This missense variant replaces histidine with glutamine at codon 287 of the TMEM43 protein. Computational prediction suggests that this variant may not impact protein structure and function (internally defined REVEL score threshold <= 0.5, PMID: 27666373). To our knowledge, functional studies have not been reported for this variant. This variant has not been reported in individuals affected with TMEM43-related disorders in the literature. This variant has not been identified in the general population by the Genome Aggregation Database (gnomAD). The available evidence is insufficient to determine the role of this variant in disease conclusively. Therefore, this variant is classified as a Variant of Uncertain Significance.

This study involves interpretation of variants in research participants for the purpose of population health screening. Participant phenotype was not available at the time of variant classification. Additional details can be found in publication PMID: 35346344, PMCID: PMC8962531

Labcorp Genetics (formerly Invitae), Labcorp
Classification: Uncertain significance for Arrhythmogenic right ventricular dysplasia 5. Last evaluated: 2022-06-13. Review status: criteria provided, single submitter. Criteria: Invitae Variant Classification Sherloc (09022015). Collection method: clinical testing. Allele origin: germline.
Comment: ClinVar contains an entry for this variant (Variation ID: 264109). In summary, the available evidence is currently insufficient to determine the role of this variant in disease. Therefore, it has been classified as a Variant of Uncertain Significance. Algorithms developed to predict the effect of missense changes on protein structure and function are either unavailable or do not agree on the potential impact of this missense change (SIFT: "Deleterious"; PolyPhen-2: "Benign"; Align-GVGD: "Class C0"). This variant has not been reported in the literature in individuals affected with TMEM43-related conditions. This variant is not present in population databases (gnomAD no frequency). This sequence change replaces histidine, which is basic and polar, with glutamine, which is neutral and polar, at codon 287 of the TMEM43 protein (p.His287Gln).

Ambry Genetics
Classification: Uncertain significance for Cardiovascular phenotype. Last evaluated: 2015-06-29. Review status: criteria provided, single submitter. Criteria: Ambry Variant Classification Scheme 2023. Collection method: clinical testing. Allele origin: germline.
Comment: The p.H287Q variant (also known as c.861C>G), located in coding exon 10 of the TMEM43 gene, results from a C to G substitution at nucleotide position 861. The histidine at codon 287 is replaced by glutamine, an amino acid with highly similar properties. This variant was not reported in population based cohorts in the following databases: Database of Single Nucleotide Polymorphisms (dbSNP), NHLBI Exome Sequencing Project (ESP), and 1000 Genomes Project. In the ESP, this variant was not observed in 6503 samples (13006 alleles) with coverage at this position. This amino acid position is not well conserved in available vertebrate species. In addition, this alteration is predicted to be tolerated by in silico analysis. Since supporting evidence is limited at this time, the clinical significance of this variant remains unclear.